The following is an entry in ClinVar:

NC_000022.10:g.(?_40742514)_(40762546_?)dup

Gene: ADSL (adenylosuccinate lyase; plus strand). Cytogenetic location: 22q13.1.
Variant type: Duplication.
Identifiers: ClinVar variation 459612 (VCV000459612.2).

ClinVar aggregate classification (germline): Uncertain significance (1 of 4 stars; one submission).

Conditions:
Adenylosuccinate lyase deficiency (ADSLD). Also called: ADSL DEFICIENCY. Identifiers: Orphanet 46, MedGen C0268126, MONDO:0007068, OMIM 103050.

Submission:

Labcorp Genetics (formerly Invitae), Labcorp
Classification: Uncertain significance for Adenylosuccinate lyase deficiency. Last evaluated: 2017-03-22. Review status: criteria provided, single submitter. Criteria: Invitae Variant Classification Sherloc (09022015). Collection method: clinical testing. Allele origin: germline.
Comment: A gross duplication of the genomic region encompassing the full coding sequence of the ADSL gene has been identified. The boundaries of this event are unknown as the duplication extends beyond the assayed region for this gene and therefore may encompass additional genes. As the precise location of this duplication is unknown, it may be in tandem or it may be located elsewhere in the genome. Duplication of the entire ADSL sequence has not been reported in the literature in an individual affected with an ADSL-related disease. In summary, the exact genomic location of this variant is unknown and the impact of this duplication on ADSL protein function has not been established. Therefore, it has been classified as a Variant of Uncertain Significance.